The following is an entry in ClinVar:

ClinVar aggregate classification (germline): Likely pathogenic (0 of 4 stars; one submission).

Conditions:
ALG1-related disorder. Also called: ALG1-related condition.

Submission:

PreventionGenetics, part of Exact Sciences
Classification: Likely pathogenic for ALG1-related condition. Last evaluated: 2024-06-26. Review status: no assertion criteria provided. Collection method: clinical testing. Allele origin: germline.
Comment: The ALG1 c.1149_1150delinsT variant is predicted to result in a frameshift and premature protein termination (p.Cys385Alafs*8). To our knowledge, this variant has not been reported in the literature or in a large population database, indicating this variant is rare. Frameshift variants in ALG1 are expected to be pathogenic. This variant is interpreted as likely pathogenic.

NM_019109.5(ALG1):c.1149_1150delinsT (p.Cys385fs)

Gene: ALG1 (ALG1 chitobiosyldiphosphodolichol beta-mannosyltransferase; plus strand). Cytogenetic location: 16p13.3.
Variant type: Indel.
Coding change: c.1149_1150delinsT on transcript NM_019109.5 (MANE Select); coding-DNA positions 1149 to 1150, CG replaced by T.
Protein change: p.Cys385fs; shifts the reading frame from cysteine 385.
Molecular consequence: frameshift variant.
Genome position (GRCh38, 1-based): chr16:5,082,635-5,082,636, CG replaced by T. VCF-style: chr16-5082635-CG-T. GRCh37 (hg19) VCF-style: chr16-5132636-CG-T.
Other names: c.816_817delinsT, p.Cys274fs (NM_001330504.2); short protein forms C274fs, C385fs.
Identifiers: ClinVar variation 3347363 (VCV003347363.1).